The following is an entry in ClinVar:

NM_001042492.3(NF1):c.4798A>T (p.Lys1600Ter)

Gene: NF1 (neurofibromin 1; plus strand). Cytogenetic location: 17q11.2.
Variant type: single nucleotide variant.
Coding change: c.4798A>T on transcript NM_001042492.3 (MANE Select); coding-DNA position 4798, A replaced by T.
Protein change: p.Lys1600Ter; replaces lysine 1600 with a stop codon.
Molecular consequence: nonsense.
Genome position (GRCh38, 1-based): chr17:31,265,302, A>T. VCF-style: chr17-31265302-A-T. GRCh37 (hg19) VCF-style: chr17-29592320-A-T.
Other names: c.4735A>T, p.Lys1579Ter (NM_000267.4); short protein forms K1579*, K1600*.
Identifiers: ClinVar variation 620441 (VCV000620441.3), dbSNP rs1567865056, ClinGen allele CA399001314.

ClinVar aggregate classification (germline): Pathogenic (1 of 4 stars; one submission).

Submission:

GeneDx
Classification: Pathogenic. Last evaluated: 2025-06-29. Review status: criteria provided, single submitter. Criteria: GeneDx Variant Classification Process June 2021. Collection method: clinical testing. Allele origin: germline. Affected: yes.
Comment: Nonsense variant predicted to result in protein truncation or nonsense mediated decay in a gene for which loss of function is a known mechanism of disease; Not observed at significant frequency in large population cohorts (gnomAD); Has not been previously published as pathogenic or benign to our knowledge